The following is an entry in ClinVar:

ClinVar aggregate classification (germline): Likely pathogenic. Review status: reviewed by expert panel (3 of 4 stars). 7 submissions from 6 submitters: Likely pathogenic (1). 6 of the submissions do not count toward it. Last evaluated 2026-08-20.

Conditions:
RPE65-related recessive retinopathy. Also called: Recessive RPE65 retinopathy. Identifiers: MedGen CN305526, MONDO:0100368.
Leber congenital amaurosis (LCA). Also called: Leber's amaurosis. Identifiers: Orphanet 65, MedGen C0339527, MeSH D057130, MONDO:0018998.
Retinitis pigmentosa (RP). Identifiers: Orphanet 791, MedGen C0035334, MeSH D012174, MONDO:0019200, OMIM 268000. Inheritance: Autosomal dominant, autosomal recessive and X linked inheritance.
RPE65-related disorder. Also called: RPE65-related condition; RPE65-related disorders. Identifiers: MedGen CN239301.
Leber congenital amaurosis 2 (LCA2). Also called: Autosomal Recessive RPE65-Related Retinal Degeneration; AMAUROSIS CONGENITA OF LEBER II. Identifiers: Orphanet 65, MedGen C1859844, MONDO:0008765, OMIM 204100. Disease mechanism: loss of function.
Retinitis pigmentosa 20 (RP20). Identifiers: Orphanet 791, MedGen C3151086, MONDO:0013425, OMIM 613794.

Allele frequency attached by ClinVar (database versions not stated): gnomAD exomes below 0.00001.
gnomAD v4.1: 6 of 1,613,910 alleles (0.00037%); highest among the groups gnomAD compares: Non-Finnish European, 0.00051%; no homozygotes.

Submissions (7):

ClinGen Leber Congenital Amaurosis/early Onset Retinal Dystrophy Variant Curation Expert Panel, ClinGen
Classification: Likely pathogenic for RPE65-related recessive retinopathy. Last evaluated: 2026-08-20. Review status: reviewed by expert panel. Criteria: ClinGen LCAeoRD ACMG Specifications RPE65 V1.0.0. Collection method: curation. Allele origin: germline. Inheritance: Autosomal recessive inheritance.
Comment: NM_000329.3:c.1328T>C(p.Val443Ala) is a predicted missense variant that replaces valine with alanine at position p.443 in RPE65. The computational predictor REVEL gives a score of 0.877, which is above the ClinGen LCA / eoRD VCEP threshold of ≥ 0.773 and predicts a damaging effect on RPE65 function (PP3_Moderate). The splicing impact predictor SpliceAI gives a score of 0.27 for acceptor gain, which is above the ClinGen LCA / eoRD VCEP recommended threshold of ≥0.2 and predicts an impact on splicing. This variant has been reported in at least three probands an with early onset inherited retinal dystrophy. The first proband was diagnosed with early-onset severe retinal dystrophy and is homozygous for the variant (0.5 points, VCEP member-provided data). The second proband was diagnosed with LCA and the variant is in the compound heterozygous state with the p.Tyr368His variant, which was previously classified as pathogenic by the ClinGen LCA / eoRD VCEP, phase is unknown (0.5 pts, PMID: 26626312). The third proband had a diagnosis of Severe Early Childhood Onset Retinal Dystrophy and harbors the variant in the compound heterozygous state with the p.Arg118Ser variant confirmed in trans (PMID: 20811047). However, the proband was not counted for PM3 in this case in order to avoid circularity (0 points). (1 pt total, PM3). At least one proband harboring this variant exhibits a phenotype including diagnosis of LCA or severe RP with onset in the first decade of life (0.5 pts), previous exome, genome or 100+ retinal dystrophy gene panel testing that did not provide an alternative explanation for visual impairment (2 pts), childhood night blindness, reduced visual acuity (1 pt), globally reduced autofluorescence (2 pts), optic nerve pallor (0.5 pts), pigmentary retinopathy with attenuated vessels (0.5 pts) posterior subcapsular cataract (0.5 pts), macular atrophy (0.5 pts), and decreased peripheral vision (1 pt), which together are highly specific for RPE65-related recessive retinopathy (8.5 total points, VCEP member-provided data, PP4_Moderate). The variant has been reported to segregate with childhood-onset severe retinal dystrophy through the proband plus 1 similarly affected relative (PMID: 20811047, PP1). This variant is present in gnomAD v.4.1.1 at a GrpMax allele frequency of 0.000005085, with 6 alleles / 1179866 total allele] in the European (non-Finnish) population, which is lower than the ClinGen LCA / eoRD VCEP PM2_Supporting threshold of <0.0002 (PM2_Supporting). In summary, this variant meets the criteria to be classified as likely pathogenic for RPE65-related recessive retinopathy based on the ACMG/AMP criteria applied, as specified by the ClinGen LCA/eoRD VCEP: PM2_Supporting, PM3, PP1, PP3_Moderate, and PP4_moderate. (LCA/eoRD VCEP specifications version 1.0.0).

Natera, Inc.
Classification: Likely pathogenic for Leber congenital amaurosis. Last evaluated: 2024-10-01. Review status: criteria provided, single submitter. Criteria: Natera Variant Classification Schema (03/2026). Collection method: clinical testing. Allele origin: germline. Not counted in ClinVar's aggregate classification.
Comment: The c.1328T>C variant in RPE65 is a missense variant predicted to cause substitution of valine to alanine at amino acid 443. This variant is rare in the general population with a frequency below the threshold expected for the associated phenotype(s). This variant has been observed in one or more individuals affected with the associated recessive disease, as either homozygous or compound heterozygous with a second variant (PMID: 26626312, 20811047, 20079931). Additionally, this variant has been observed to segregate in affected family members (PMID: 20811047). Computational prediction algorithms indicate this variant is likely to affect gene or protein function. Given the available evidence, this variant is classified as Likely Pathogenic.

Labcorp Genetics (formerly Invitae), Labcorp
Classification: Uncertain significance for Leber congenital amaurosis 2; Retinitis pigmentosa 20. Last evaluated: 2021-11-14. Review status: criteria provided, single submitter. Criteria: Invitae Variant Classification Sherloc (09022015). Collection method: clinical testing. Allele origin: germline. Not counted in ClinVar's aggregate classification.
Comment: This sequence change replaces valine, which is neutral and non-polar, with alanine, which is neutral and non-polar, at codon 443 of the RPE65 protein (p.Val443Ala). This variant is not present in population databases (gnomAD no frequency). This missense change has been observed in individuals with clinical features of inherited retinal dystrophy (PMID: 17964524, 30268864). ClinVar contains an entry for this variant (Variation ID: 870344). Algorithms developed to predict the effect of missense changes on protein structure and function are either unavailable or do not agree on the potential impact of this missense change (SIFT: "Deleterious"; PolyPhen-2: "Possibly Damaging"; Align-GVGD: "Class C0"). In summary, the available evidence is currently insufficient to determine the role of this variant in disease. Therefore, it has been classified as a Variant of Uncertain Significance.

SIB Swiss Institute of Bioinformatics
Classification: Uncertain significance for Leber congenital amaurosis 2. Last evaluated: 2020-02-14. Review status: criteria provided, single submitter. Criteria: ACMG Guidelines, 2015. Collection method: curation. Allele origin: unknown. Not counted in ClinVar's aggregate classification.
Comment: This variant is interpreted as a variant of uncertain significance for Leber congenital amaurosis 2, autosomal recessive. The following ACMG Tag(s) were applied: PM2, PP3.

Blueprint Genetics
Classification: Pathogenic for RPE65-related disorders. Last evaluated: 2019-08-31. Review status: criteria provided, single submitter. Criteria: ACMG Guidelines, 2015. Collection method: clinical testing. Allele origin: germline. Affected: yes. Observed: 1 variant allele. Not counted in ClinVar's aggregate classification.

Illumina Laboratory Services, Illumina
Classification: Uncertain significance for Retinitis pigmentosa. Last evaluated: 2017-09-18. Review status: criteria provided, single submitter. Criteria: ICSL Variant Classification Criteria 13 December 2019. Collection method: clinical testing. Allele origin: germline. Not counted in ClinVar's aggregate classification.
Comment: This variant was observed as part of a predisposition screen in an ostensibly healthy population. A literature search was performed for the gene, cDNA change, and amino acid change (where applicable). Publications were found based on this search. However, the evidence from the literature, in combination with allele frequency data from public databases where available, was not sufficient to rule this variant in or out of causing disease. Therefore, this variant is classified as a variant of unknown significance.

Illumina Laboratory Services, Illumina
Classification: Uncertain significance for Leber congenital amaurosis 2. Last evaluated: 2017-09-18. Review status: criteria provided, single submitter. Criteria: ICSL Variant Classification Criteria 13 December 2019. Collection method: clinical testing. Allele origin: germline. Not counted in ClinVar's aggregate classification.
Comment: the same text as in the submission from Illumina Laboratory Services, Illumina above.

Literature cited by the submitters: PubMed 26626312 (cited by Natera, Inc. and Illumina Laboratory Services, Illumina); PubMed 20811047 (cited by Natera, Inc. and Illumina Laboratory Services, Illumina); PubMed 20079931 (cited by Natera, Inc. and Illumina Laboratory Services, Illumina); PubMed 17964524 (cited by 3 submitters); PubMed 30268864 (cited by Labcorp Genetics (formerly Invitae), Labcorp); PubMed 27102010 (cited by Illumina Laboratory Services, Illumina).

NM_000329.3(RPE65):c.1328T>C (p.Val443Ala)

Gene: RPE65 (retinoid isomerohydrolase RPE65; minus strand). Cytogenetic location: 1p31.3.
Variant type: single nucleotide variant.
Coding change: c.1328T>C on transcript NM_000329.3 (MANE Select); coding-DNA position 1328, T replaced by C.
Protein change: p.Val443Ala; replaces valine 443 with alanine.
Molecular consequence: missense variant.
Genome position (GRCh38, 1-based): chr1:68,431,292, A>G on the plus strand (T>C on the coding strand, the complement: RPE65 is on the minus strand). VCF-style: chr1-68431292-A-G. GRCh37 (hg19) VCF-style: chr1-68896975-A-G.
Other names: NM_000329.3(RPE65):c.1328T>C; p.Val443Ala; short protein forms V443A.
Identifiers: ClinVar variation 870344 (VCV000870344.11), dbSNP rs1645824187, ClinGen allele CA340742376.